The following is an entry in ClinVar:

ClinVar aggregate classification (germline): Uncertain significance (1 of 4 stars; one submission).

gnomAD v4.1: 2 of 1,614,132 alleles (0.00012%); no homozygotes.

Submission:

Labcorp Genetics (formerly Invitae), Labcorp
Classification: Uncertain significance. Last evaluated: 2022-10-03. Review status: criteria provided, single submitter. Criteria: Invitae Variant Classification Sherloc (09022015). Collection method: clinical testing. Allele origin: germline.
Comment: In summary, the available evidence is currently insufficient to determine the role of this variant in disease. Therefore, it has been classified as a Variant of Uncertain Significance. Advanced modeling of protein sequence and biophysical properties (such as structural, functional, and spatial information, amino acid conservation, physicochemical variation, residue mobility, and thermodynamic stability) performed at Invitae indicates that this missense variant is not expected to disrupt SETBP1 protein function. This variant has not been reported in the literature in individuals affected with SETBP1-related conditions. This variant is not present in population databases (gnomAD no frequency). This sequence change replaces glycine, which is neutral and non-polar, with cysteine, which is neutral and slightly polar, at codon 483 of the SETBP1 protein (p.Gly483Cys).

NM_015559.3(SETBP1):c.1447G>T (p.Gly483Cys)

Gene: SETBP1 (SET binding protein 1; plus strand). Cytogenetic location: 18q12.3.
Variant type: single nucleotide variant.
Coding change: c.1447G>T on transcript NM_015559.3 (MANE Select); coding-DNA position 1447, G replaced by T.
Protein change: p.Gly483Cys; replaces glycine 483 with cysteine.
Molecular consequence: missense variant.
Genome position (GRCh38, 1-based): chr18:44,950,787, G>T. VCF-style: chr18-44950787-G-T. GRCh37 (hg19) VCF-style: chr18-42530752-G-T.
Other names: c.1447G>T, p.Gly483Cys (NM_001379141.1, NM_001379142.1, NM_001410862.1); short protein forms G483C.
Identifiers: ClinVar variation 1983614 (VCV001983614.4), dbSNP rs2511467696, ClinGen allele CA402318551.